The following is an entry in ClinVar:

NM_005033.3(EXOSC9):c.522+8C>T

Gene: EXOSC9 (exosome component 9; plus strand). Cytogenetic location: 4q27.
Variant type: single nucleotide variant.
Coding change: c.522+8C>T on transcript NM_005033.3 (MANE Select); 8 bases into the intron after coding-DNA position 522, C replaced by T.
Molecular consequence: intron variant.
Genome position (GRCh38, 1-based): chr4:121,804,767, C>T. VCF-style: chr4-121804767-C-T. GRCh37 (hg19) VCF-style: chr4-122725922-C-T.
Other names: c.522+8C>T (NM_001034194.2, NM_001034194.1).
Identifiers: ClinVar variation 1645539 (VCV001645539.10), dbSNP rs376642438, ClinGen allele CA3063424.
Genomic context (GRCh38, chr4:121,804,767, plus strand): 5'-TATGTCATTTCCGAAGACCTGATGTCTCTGTCCAAGGAGATGAAGTAACACTGGTAAGCT[C>T]CTATGTGAACCAGGATCCTTGATATGAATGAATGAGGAGGGTCTTAAATGTGCAGGCAAC-3'

ClinVar aggregate classification (germline): Likely benign. Review status: criteria provided, single submitter (1 of 4 stars). 2 submissions from 2 submitters: Likely benign (1). 1 of the submissions does not count toward it. Last evaluated 2025-11-03.

Conditions:
EXOSC9-related disorder. Also called: EXOSC9-related condition.

Allele frequency attached by ClinVar (database versions not stated): gnomAD 0.00016 and 0.00017; TOPMed 0.00022; ESP Exome Variant Server 0.00023; gnomAD exomes 0.00036; ExAC 0.00047.
gnomAD v4.1: 520 of 1,587,118 alleles (0.033%); highest among the groups gnomAD compares: Non-Finnish European, 0.04%; no homozygotes.

Submissions (2):

Labcorp Genetics (formerly Invitae), Labcorp
Classification: Likely benign. Last evaluated: 2025-11-03. Review status: criteria provided, single submitter. Criteria: Invitae Variant Classification Sherloc (09022015). Collection method: clinical testing. Allele origin: germline.

PreventionGenetics, part of Exact Sciences
Classification: Likely benign for EXOSC9-related condition. Last evaluated: 2019-11-25. Review status: no assertion criteria provided. Collection method: clinical testing. Allele origin: germline. Not counted in ClinVar's aggregate classification.
Comment: This variant is classified as likely benign based on ACMG/AMP sequence variant interpretation guidelines (Richards et al. 2015 PMID: 25741868, with internal and published modifications).